The following is an entry in ClinVar:

NM_015898.4(ZBTB7A):c.237del (p.Phe79fs)

Gene: ZBTB7A (zinc finger and BTB domain containing 7A; minus strand). Cytogenetic location: 19p13.3.
Variant type: Deletion.
Coding change: c.237del on transcript NM_015898.4 (MANE Select); coding-DNA position 237, one base deleted (C; older notation c.237delC).
Protein change: p.Phe79fs; shifts the reading frame from phenylalanine 79.
Molecular consequence: frameshift variant.
Genome position (GRCh38, 1-based): chr19:4,054,996, G deleted on the plus strand (C on the coding strand, the reverse complement: ZBTB7A is on the minus strand). VCF-style (leftmost placement, unchanged base first): chr19-4054995-CG-C. GRCh37 (hg19) VCF-style: chr19-4054993-CG-C.
Other names: c.237del, p.Phe79fs (NM_001317990.2); short protein forms F79fs.
Identifiers: ClinVar variation 4532785 (VCV004532785.1).

ClinVar aggregate classification (germline): Likely pathogenic (1 of 4 stars; one submission).

Conditions:
Macrocephaly, neurodevelopmental delay, lymphoid hyperplasia, and persistent fetal hemoglobin (MNDLFH). Identifiers: Orphanet 694956, MedGen C5676928, MONDO:0859231, OMIM 619769.

Submission:

Molecular Genetics Laboratory, Motol Hospital
Classification: Likely pathogenic for Macrocephaly, neurodevelopmental delay, lymphoid hyperplasia, and persistent fetal hemoglobin. Last evaluated: 2025-11-28. Review status: criteria provided, single submitter. Criteria: ACMG Guidelines, 2015. Collection method: clinical testing. Allele origin: germline. Affected: yes. Observed: 1 variant allele.
Comment: Not present in gnomAD (v4.1.0), ClinVar, database record in dbSNP (rs1483396650) (PM2). Rare loss-of-function variants affecting the ZBTB7A gene are associated with autosomal dominant "macrocephaly, neurodevelopmental delay, lymphoid hyperplasia, and persistent fetal hemoglobin" (MNDLFH; MIM:619769; PMID:31645653;PMID:34515416) (PVS1). To conclude, the variant c.237del is classified as likely pathogenic (PVS1, PM2).

Literature cited by the submitters: PubMed 31645653; PubMed 34515416.